The following is an entry in ClinVar:

ClinVar aggregate classification (germline): Pathogenic (1 of 4 stars; one submission).

Conditions:
Acute infantile liver failure due to synthesis defect of mtDNA-encoded proteins. Also called: Liver failure acute infantile; LIVER FAILURE, INFANTILE, TRANSIENT; TRMU Deficiency. Identifiers: Orphanet 217371, MedGen C3278664, MONDO:0013111, OMIM 613070.

Submission:

Myriad Genetics, Inc.
Classification: Pathogenic for Acute infantile liver failure due to synthesis defect of mtDNA-encoded proteins. Last evaluated: 2024-11-09. Review status: criteria provided, single submitter. Criteria: Myriad Autosomal Dominant, Autosomal Recessive and X-Linked Classification Criteria (2023). Collection method: clinical testing. Allele origin: unknown.
Comment: NM_018006.4(TRMU):c.155_156delAA(K52Rfs*3) is expected to be pathogenic in the context of acute liver failure, TRMU-related. This variant is predicted to lead to an abnormal or absent protein product due to the creation of a premature termination codon in TRMU, a gene where loss-of-function variants are known to be pathogenic. Please note: this variant was assessed in the context of healthy population screening.

NM_018006.5(TRMU):c.155_156del (p.Lys52fs)

Gene: TRMU (tRNA mitochondrial 2-thiouridylase; plus strand). Cytogenetic location: 22q13.31.
Variant type: Deletion.
Coding change: c.155_156del on transcript NM_018006.5 (MANE Select); coding-DNA positions 155 to 156, 2 bases deleted (AA; older notation c.155_156delAA).
Protein change: p.Lys52fs; shifts the reading frame from lysine 52.
Molecular consequence: frameshift variant. On other transcripts: 5 prime UTR variant (3), non-coding transcript variant (2).
Genome position (GRCh38, 1-based): chr22:46,337,851-46,337,852, AA deleted; deleting any 2 consecutive bases within chr22:46,337,850-46,337,852 gives the same sequence; the c. name uses the placement nearest the transcript's 3' end. VCF-style (leftmost placement, unchanged base first): chr22-46337849-CAA-C. GRCh37 (hg19) VCF-style: chr22-46733746-CAA-C.
Other names: c.-81_-80del (NM_001282782.2); c.-100_-99del (NM_001282783.2, NM_001282784.2); c.155_156del, p.Lys52fs (NM_001282785.2); short protein forms K52fs.
Identifiers: ClinVar variation 5013726 (VCV005013726.1).